The following is an entry in ClinVar:

NM_000051.4(ATM):c.3628A>T (p.Met1210Leu)

Gene: ATM (ATM serine/threonine kinase; plus strand). Cytogenetic location: 11q22.3.
Variant type: single nucleotide variant.
Coding change: c.3628A>T on transcript NM_000051.4 (MANE Select); coding-DNA position 3628, A replaced by T.
Protein change: p.Met1210Leu; replaces methionine 1210 with leucine.
Molecular consequence: missense variant.
Genome position (GRCh38, 1-based): chr11:108,282,761, A>T. VCF-style: chr11-108282761-A-T. GRCh37 (hg19) VCF-style: chr11-108153488-A-T.
Other names: c.3628A>T, p.Met1210Leu (NM_001351834.2); short protein forms M1210L.
Identifiers: ClinVar variation 1733374 (VCV001733374.6), dbSNP rs138212452, ClinGen allele CA382522869.

ClinVar aggregate classification (germline): Uncertain significance. Review status: criteria provided, multiple submitters, no conflicts (2 of 4 stars). 2 submissions from 2 submitters: Uncertain significance (2). Last evaluated 2024-07-24.

Conditions:
Hereditary cancer-predisposing syndrome. Also called: Neoplastic Syndromes, Hereditary; Tumor predisposition; Hereditary Cancer Syndrome; Hereditary neoplastic syndrome. Identifiers: Orphanet 140162, MedGen C0027672, MeSH D009386, MONDO:0015356.
Ataxia-telangiectasia syndrome (AT). Also called: LOUIS-BAR SYNDROME; Cerebello-oculocutaneous telangiectasia; Immunodeficiency with ataxia telangiectasia; Ataxia-telangiectasia, complementation group D; AT, COMPLEMENTATION GROUP C; ATAXIA-TELANGIECTASIA, COMPLEMENTATION GROUP A. Identifiers: Orphanet 100, MedGen C0004135, MONDO:0008840, OMIM 208900.

Submissions (2):

Labcorp Genetics (formerly Invitae), Labcorp
Classification: Uncertain significance for Ataxia-telangiectasia syndrome. Last evaluated: 2024-07-24. Review status: criteria provided, single submitter. Criteria: Invitae Variant Classification Sherloc (09022015). Collection method: clinical testing. Allele origin: germline.
Comment: This sequence change replaces methionine, which is neutral and non-polar, with leucine, which is neutral and non-polar, at codon 1210 of the ATM protein (p.Met1210Leu). This variant is not present in population databases (gnomAD no frequency). This variant has not been reported in the literature in individuals affected with ATM-related conditions. ClinVar contains an entry for this variant (Variation ID: 1733374). An algorithm developed to predict the effect of missense changes on protein structure and function (PolyPhen-2) suggests that this variant is likely to be tolerated. In summary, the available evidence is currently insufficient to determine the role of this variant in disease. Therefore, it has been classified as a Variant of Uncertain Significance.

Ambry Genetics
Classification: Uncertain significance for Hereditary cancer-predisposing syndrome. Last evaluated: 2023-08-28. Review status: criteria provided, single submitter. Criteria: Ambry Variant Classification Scheme 2023. Collection method: clinical testing. Allele origin: germline.
Comment: The p.M1210L variant (also known as c.3628A>T), located in coding exon 24 of the ATM gene, results from an A to T substitution at nucleotide position 3628. The methionine at codon 1210 is replaced by leucine, an amino acid with highly similar properties. This amino acid position is well conserved in available vertebrate species. In addition, the in silico prediction for this alteration is inconclusive. Since supporting evidence is limited at this time, the clinical significance of this alteration remains unclear.